The following is an entry in ClinVar:

ClinVar aggregate classification (germline): Uncertain significance (1 of 4 stars; one submission).

Allele frequency attached by ClinVar (database versions not stated): gnomAD 0.00001; gnomAD exomes 0.00001; TOPMed 0.00002.
gnomAD v4.1: 6 of 1,607,318 alleles (0.00037%); highest among the groups gnomAD compares: South Asian, 0.0022%; no homozygotes.

Submission:

Labcorp Genetics (formerly Invitae), Labcorp
Classification: Uncertain significance. Last evaluated: 2024-12-02. Review status: criteria provided, single submitter. Criteria: Invitae Variant Classification Sherloc (09022015). Collection method: clinical testing. Allele origin: germline.
Comment: This sequence change replaces isoleucine, which is neutral and non-polar, with threonine, which is neutral and polar, at codon 640 of the IFT88 protein (p.Ile640Thr). This variant is not present in population databases (gnomAD no frequency). This variant has not been reported in the literature in individuals affected with IFT88-related conditions. ClinVar contains an entry for this variant (Variation ID: 1919141). An algorithm developed to predict the effect of missense changes on protein structure and function (PolyPhen-2) suggests that this variant is likely to be disruptive. In summary, the available evidence is currently insufficient to determine the role of this variant in disease. Therefore, it has been classified as a Variant of Uncertain Significance.

NM_006531.5(IFT88):c.1892T>C (p.Ile631Thr)

Gene: IFT88 (intraflagellar transport 88; plus strand). Cytogenetic location: 13q12.11.
Variant type: single nucleotide variant.
Coding change: c.1892T>C on transcript NM_006531.5 (MANE Select); coding-DNA position 1892, T replaced by C.
Protein change: p.Ile631Thr; replaces isoleucine 631 with threonine.
Molecular consequence: missense variant. On other transcripts: non-coding transcript variant (4).
Genome position (GRCh38, 1-based): chr13:20,644,901, T>C. VCF-style: chr13-20644901-T-C. GRCh37 (hg19) VCF-style: chr13-21219040-T-C.
Other names: c.1835T>C, p.Ile612Thr (NM_001318491.2, NM_001353575.2); c.1919T>C, p.Ile640Thr (NM_001318493.2, NM_001353565.2, NM_001353566.2 and 2 more transcripts); c.1892T>C, p.Ile631Thr (NM_001353568.2, NM_001353572.2); c.1817T>C, p.Ile606Thr (NM_001353569.2, NM_001353570.2, NM_001353576.2 and 1 more transcripts); c.1790T>C, p.Ile597Thr (NM_001353571.2, NM_001353578.2); c.1748T>C, p.Ile583Thr (NM_001353573.2); c.1733T>C, p.Ile578Thr (NM_001353574.2); c.1259T>C, p.Ile420Thr (NM_001353579.2); short protein forms I597T, I612T, I420T, I583T, I631T, I578T, I606T, I640T.
Identifiers: ClinVar variation 1919141 (VCV001919141.5), dbSNP rs1350934184, ClinGen allele CA387475329.